The following is an entry in ClinVar:

NM_001267550.2(TTN):c.104006A>C (p.Asp34669Ala)

Genes: TTN (titin; minus strand), TTN-AS1 (TTN antisense RNA 1; plus strand). Cytogenetic location: 2q31.2.
Variant type: single nucleotide variant.
Coding change: c.104006A>C on transcript NM_001267550.2 (MANE Select); coding-DNA position 104006, A replaced by C.
Protein change: p.Asp34669Ala; replaces aspartic acid 34669 with alanine.
Molecular consequence: missense variant.
Genome position (GRCh38, 1-based): chr2:178,532,609, T>G on the plus strand (A>C on the coding strand, the complement: TTN is on the minus strand). VCF-style: chr2-178532609-T-G. GRCh37 (hg19) VCF-style: chr2-179397336-T-G.
Other names: c.99083A>C, p.Asp33028Ala (NM_001256850.1); c.76811A>C, p.Asp25604Ala (NM_003319.4); c.96302A>C, p.Asp32101Ala (NM_133378.4); c.77186A>C, p.Asp25729Ala (NM_133432.3); c.77387A>C, p.Asp25796Ala (NM_133437.4); short protein forms D25729A, D34669A, D25796A, D25604A, D32101A, D33028A.
Identifiers: ClinVar variation 2936001 (VCV002936001.3), dbSNP rs754657951, ClinGen allele CA1985503.

ClinVar aggregate classification (germline): Uncertain significance (1 of 4 stars; one submission).

Conditions:
Dilated cardiomyopathy 1G (CMD1G). Identifiers: Orphanet 154, MedGen C1858763, MONDO:0011400, OMIM 604145.
Autosomal recessive limb-girdle muscular dystrophy type 2J (LGMDR10). Also called: Limb-girdle muscular dystrophy, type 2J; MUSCULAR DYSTROPHY, LIMB-GIRDLE, AUTOSOMAL RECESSIVE 10. Identifiers: Orphanet 140922, MedGen C1837342, MONDO:0012127, OMIM 608807.

Allele frequency attached by ClinVar (database versions not stated): TOPMed below 0.00001; gnomAD 0.00001; ExAC 0.00002; gnomAD exomes 0.00002.
gnomAD v4.1: 11 of 1,613,840 alleles (0.00068%); highest among the groups gnomAD compares: East Asian, 0.025%; no homozygotes.

Submission:

Labcorp Genetics (formerly Invitae), Labcorp
Classification: Uncertain significance for Dilated cardiomyopathy 1G; Autosomal recessive limb-girdle muscular dystrophy type 2J. Last evaluated: 2024-01-28. Review status: criteria provided, single submitter. Criteria: Invitae Variant Classification Sherloc (09022015). Collection method: clinical testing. Allele origin: germline.
Comment: This sequence change replaces aspartic acid, which is acidic and polar, with alanine, which is neutral and non-polar, at codon 34669 of the TTN protein (p.Asp34669Ala). This variant is present in population databases (rs754657951, gnomAD 0.02%). This variant has not been reported in the literature in individuals affected with TTN-related conditions. Experimental studies and prediction algorithms are not available or were not evaluated, and the functional significance of this variant is currently unknown. This variant is located in the M band of TTN (PMID: 25589632). Non-truncating variants in this region may be relevant for neuromuscular disorders, but have not been definitively shown to cause cardiomyopathy (PMID: 23975875). In summary, the available evidence is currently insufficient to determine the role of this variant in disease. Therefore, it has been classified as a Variant of Uncertain Significance.

Literature cited by the submitters: PubMed 25589632; PubMed 23975875.